The following is an entry in ClinVar:

ClinVar aggregate classification (germline): Likely pathogenic (1 of 4 stars; one submission).

Conditions:
Autosomal recessive nonsyndromic hearing loss 12. Also called: DEAFNESS, AUTOSOMAL RECESSIVE 12. Identifiers: Orphanet 90636, MedGen C1832394, MONDO:0011067, OMIM 601386.

gnomAD v4.1: 1 of 1,613,876 alleles (0.000062%); highest among the groups gnomAD compares: Non-Finnish European, 0.000085%; no homozygotes.

Submission:

Institute of Rare Diseases, West China Hospital, Sichuan University
Classification: Likely pathogenic for Autosomal recessive nonsyndromic hearing loss 12. Last evaluated: 2025-01-09. Review status: criteria provided, single submitter. Criteria: ClinGen HL ACMG Specifications v1. Collection method: research. Allele origin: germline. Affected: yes.
Comment: PM3;PM5;PM2_Supporting;PP3

NM_022124.6(CDH23):c.6919G>A (p.Glu2307Lys)

Gene: CDH23 (cadherin related 23; plus strand). Cytogenetic location: 10q22.1.
Variant type: single nucleotide variant.
Coding change: c.6919G>A on transcript NM_022124.6 (MANE Select); coding-DNA position 6919, G replaced by A.
Protein change: p.Glu2307Lys; replaces glutamic acid 2307 with lysine.
Molecular consequence: missense variant.
Genome position (GRCh38, 1-based): chr10:71,798,443, G>A. VCF-style: chr10-71798443-G-A. GRCh37 (hg19) VCF-style: chr10-73558200-G-A.
Other names: c.199G>A, p.Glu67Lys (NM_001171933.1, NM_001171934.1); short protein forms E2307K, E67K.
Identifiers: ClinVar variation 3601564 (VCV003601564.1).